The following is an entry in ClinVar:

NM_004714.3(DYRK1B):c.625G>A (p.Val209Ile)

Gene: DYRK1B (dual specificity tyrosine phosphorylation regulated kinase 1B; minus strand). Cytogenetic location: 19q13.2.
Variant type: single nucleotide variant.
Coding change: c.625G>A on transcript NM_004714.3 (MANE Select); coding-DNA position 625, G replaced by A.
Protein change: p.Val209Ile; replaces valine 209 with isoleucine.
Molecular consequence: missense variant.
Genome position (GRCh38, 1-based): chr19:39,828,479, C>T on the plus strand (G>A on the coding strand, the complement: DYRK1B is on the minus strand). VCF-style: chr19-39828479-C-T. GRCh37 (hg19) VCF-style: chr19-40319119-C-T.
Other names: c.625G>A (NM_004714.2); c.625G>A, p.Val209Ile (NM_006483.3, NM_006484.3); short protein forms V209I.
Identifiers: ClinVar variation 208913 (VCV000208913.5), dbSNP rs556237495, ClinGen allele CA055154.

ClinVar aggregate classification (germline): Uncertain significance. Review status: criteria provided, single submitter (1 of 4 stars). 2 submissions from 2 submitters: Uncertain significance (1). 1 of the submissions does not count toward it. Last evaluated 2026-02-16.

Conditions:
DYRK1B-related disorder. Also called: DYRK1B-related condition.
Abnormality of neuronal migration. Identifiers: MedGen C1837249, HP:0002269.

Allele frequency attached by ClinVar (database versions not stated): gnomAD 0.00001 and 0.00002; TOPMed 0.00002; 1000 Genomes Project 30x 0.00016; 1000 Genomes Project 0.00020.
gnomAD v4.1: 11 of 1,613,614 alleles (0.00068%); highest among the groups gnomAD compares: Admixed American, 0.0033%; no homozygotes.

Submissions (2):

PreventionGenetics, part of Exact Sciences
Classification: Uncertain significance for DYRK1B-related condition. Last evaluated: 2026-02-16. Review status: criteria provided, single submitter. Criteria: ACMG Guidelines, 2015. Collection method: clinical testing. Allele origin: germline.
Comment: The DYRK1B c.625G>A variant is predicted to result in the amino acid substitution p.Val209Ile. To our knowledge, this variant has not been reported in the literature. This variant is reported in 0.0035% of alleles in individuals of European (Non-Finnish) descent in gnomAD. At this time, the clinical significance of this variant is uncertain due to the absence of conclusive functional and genetic evidence.

Génétique et pathophysiologie de maladies neurodéveloppementales et épileptogènes, Institut de génétique et de biologie moléculaire et cellulaire
Classification: Benign for Malformation of Cortical Development. Last evaluated: 2014-10-31. Review status: no assertion criteria provided. Collection method: clinical testing. Allele origin: unknown. Affected: yes. Observed: 2 homozygotes. Not counted in ClinVar's aggregate classification.